The following is an entry in ClinVar:

ClinVar aggregate classification (germline): Uncertain significance (1 of 4 stars; one submission).

Conditions:
Renal cell carcinoma. Identifiers: Orphanet 217071, MedGen C0007134, MeSH D002292, MONDO:0005086, HP:0005584.

Submission:

Labcorp Genetics (formerly Invitae), Labcorp
Classification: Uncertain significance for Renal cell carcinoma. Last evaluated: 2025-03-03. Review status: criteria provided, single submitter. Criteria: Invitae Variant Classification Sherloc (09022015). Collection method: clinical testing. Allele origin: germline.
Comment: This sequence change replaces glycine, which is neutral and non-polar, with aspartic acid, which is acidic and polar, at codon 871 of the MET protein (p.Gly871Asp). This variant is not present in population databases (gnomAD no frequency). This variant has not been reported in the literature in individuals affected with MET-related conditions. Invitae Evidence Modeling of protein sequence and biophysical properties (such as structural, functional, and spatial information, amino acid conservation, physicochemical variation, residue mobility, and thermodynamic stability) indicates that this missense variant is not expected to disrupt MET protein function with a negative predictive value of 80%. In summary, the available evidence is currently insufficient to determine the role of this variant in disease. Therefore, it has been classified as a Variant of Uncertain Significance.

NM_000245.4(MET):c.2558G>A (p.Gly853Asp)

Gene: MET (MET proto-oncogene, receptor tyrosine kinase; plus strand). Cytogenetic location: 7q31.2.
Variant type: single nucleotide variant.
Coding change: c.2558G>A on transcript NM_000245.4 (MANE Select); coding-DNA position 2558, G replaced by A.
Protein change: p.Gly853Asp; replaces glycine 853 with aspartic acid.
Molecular consequence: missense variant.
Genome position (GRCh38, 1-based): chr7:116,763,243, G>A. VCF-style: chr7-116763243-G-A. GRCh37 (hg19) VCF-style: chr7-116403297-G-A.
Other names: c.2612G>A, p.Gly871Asp (NM_001127500.3); c.2558G>A, p.Gly853Asp (NM_001324401.3); c.1268G>A, p.Gly423Asp (NM_001324402.2); short protein forms G423D, G871D, G853D.
Identifiers: ClinVar variation 4743422 (VCV004743422.1).